The following is an entry in ClinVar:

ClinVar aggregate classification (germline): Pathogenic/Likely pathogenic. Review status: criteria provided, multiple submitters, no conflicts (2 of 4 stars). 6 submissions from 6 submitters: Pathogenic (2); Likely pathogenic (4). Last evaluated 2022-07-25.

Conditions:
Cardiovascular phenotype. Identifiers: MedGen CN230736.
Cardiomyopathy (CMYO). Also called: Cardiomyopathies. Identifiers: Orphanet 167848, MedGen C0878544, MONDO:0004994, HP:0001638. Inheritance: Various modes of inheritance.
Hypertrophic cardiomyopathy 4. Also called: Familial hypertrophic cardiomyopathy 4. Identifiers: MedGen C1861862, MONDO:0007268, OMIM 115197.
Hypertrophic cardiomyopathy. Also called: HYPERTROPHIC MYOCARDIOPATHY. Identifiers: Orphanet 217569, MedGen C0007194, MeSH D002312, MONDO:0005045, HP:0001639.

Allele frequency attached by ClinVar (database versions not stated): gnomAD exomes below 0.00001; gnomAD 0.00001.
gnomAD v4.1: 3 of 1,610,256 alleles (0.00019%); highest among the groups gnomAD compares: East Asian, 0.0022%; no homozygotes.

Submissions (6):

Labcorp Genetics (formerly Invitae), Labcorp
Classification: Likely pathogenic for Hypertrophic cardiomyopathy. Last evaluated: 2022-07-25. Review status: criteria provided, single submitter. Criteria: Invitae Variant Classification Sherloc (09022015). Collection method: clinical testing. Allele origin: germline.
Comment: This variant is present in population databases (rs730880531, gnomAD 0.06%). This sequence change affects an acceptor splice site in intron 14 of the MYBPC3 gene. It is expected to disrupt RNA splicing. Variants that disrupt the donor or acceptor splice site typically lead to a loss of protein function (PMID: 16199547), and loss-of-function variants in MYBPC3 are known to be pathogenic (PMID: 19574547). In summary, the currently available evidence indicates that the variant is pathogenic, but additional data are needed to prove that conclusively. Therefore, this variant has been classified as Likely Pathogenic. Algorithms developed to predict the effect of sequence changes on RNA splicing suggest that this variant may disrupt the consensus splice site. ClinVar contains an entry for this variant (Variation ID: 180925). Disruption of this splice site has been observed in individual(s) with clinical features of hypertrophic cardiomyopathy (PMID: 25351510).

Ambry Genetics
Classification: Likely pathogenic for Cardiovascular phenotype. Last evaluated: 2022-04-28. Review status: criteria provided, single submitter. Criteria: Ambry Variant Classification Scheme 2023. Collection method: clinical testing. Allele origin: germline.
Comment: The c.1227-2A>G intronic variant results from an A to G substitution two nucleotides upstream from coding exon 15 in the MYBPC3 gene. This variant (also referred to as IVS14-2A>G) has been detected in hypertrophic cardiomyopathy cohorts; however, details were limited (Richard P et al. Circulation, 2003 May;107:2227-32; Lopes LR et al. Heart. 2015 Feb;101(4):294-301; Miller RJH et al. PLoS ONE, 2019 Jun;14:e0217612; Walsh R et al. Genome Med, 2019 01;11:5). In one family, this variant was reported to occur in the homozyous state in a proband whose heterozygous father was also affected, while several other heterozygous relatives were indicated as unaffected; however, clinical details were not provided (Kassem H.Sh. et al. EJMHG, 2017 Oct;18(4):381-387). This variant is considered to be rare based on population cohorts in the Genome Aggregation Database (gnomAD). This nucleotide position is highly conserved in available vertebrate species. In silico splice site analysis predicts that this alteration will weaken the native splice acceptor site. Based on the majority of available evidence to date, this variant is likely to be pathogenic.

Color Diagnostics, LLC DBA Color Health
Classification: Likely pathogenic for Cardiomyopathy. Last evaluated: 2019-07-02. Review status: criteria provided, single submitter. Criteria: ACMG Guidelines, 2015. Collection method: clinical testing. Allele origin: germline.
Comment: This variant alters the intron 14 canonical splice acceptor site of the MYBPC3 gene. Computational splicing tools predict that this variant may have a significant impact on RNA splicing. Although RNA study has not been performed to confirm the prediction, this variant is expected to result in an absent or disrupted protein product. This variant has been reported in individuals affected with hypertrophic cardiomyopathy (PMID: 25351510, 30297972; Kassem 2017). This variant has been identified in 1/31392 chromosomes in the general population by the Genome Aggregation Database (gnomAD). Loss of MYBPC3 function is a known mechanism of disease. Based on available evidence, this variant is classified as Likely Pathogenic.

GeneDx
Classification: Pathogenic. Last evaluated: 2015-08-18. Review status: criteria provided, single submitter. Criteria: GeneDx Variant Classification (06012015). Collection method: clinical testing. Allele origin: germline. Affected: yes.
Comment: This variant is denoted MYBPC3 c.1227-2 A>G at the c.DNA level. The c.1227-2 A>G mutation in the MYBPC3 gene has been previously reported in one patient with HCM (Richard P et al., 2003). This mutation destroys the canonical splice acceptor site of intron 14. The mutation is predicted to lead to either an abnormal message, which is subjected to nonsense-mediated mRNA decay, or to an abnormal protein product if the message is used for protein translation. Other splice site mutations in the MYBPC3 gene have been reported in association with HCM. Furthermore, the c.1227 A>G mutation was not observed in approximately 6,200 individuals of European and African American ancestry in the NHLBI Exome Sequencing Project, indicating it is not a common benign variant in these populations. In summary, c.1227-2 A>G in the MYBPC3 gene is interpreted as a disease-causing mutation. The variant is found in HCM panel(s).

Stanford Center for Inherited Cardiovascular Disease, Stanford University
Classification: Likely pathogenic. Last evaluated: 2014-09-19. Review status: criteria provided, single submitter. Criteria: ACMG Guidelines, 2015. Collection method: provider interpretation. Allele origin: germline.

Juno Genomics, Hangzhou Juno Genomics, Inc
Classification: Pathogenic for Hypertrophic cardiomyopathy 4. Review status: criteria provided, single submitter. Criteria: ACMG Guidelines, 2015. Collection method: clinical testing. Allele origin: germline.
Comment: Null variant in a gene where loss of function (LOF) is a known mechanism of disease.;The prevalence of the variant in affected individuals is significantly increased compared to the prevalence in controls.

Literature cited by the submitters: PubMed 16199547 (cited by Labcorp Genetics (formerly Invitae), Labcorp); PubMed 19574547 (cited by Labcorp Genetics (formerly Invitae), Labcorp); PubMed 25351510 (cited by Labcorp Genetics (formerly Invitae), Labcorp); PubMed 12707239 (cited by Ambry Genetics); PubMed 21415409 (cited by Ambry Genetics); PubMed 30696458 (cited by Ambry Genetics); PubMed 31199839 (cited by Ambry Genetics).

NM_000256.3(MYBPC3):c.1227-2A>G

Gene: MYBPC3 (myosin binding protein C3; minus strand). Cytogenetic location: 11p11.2.
Variant type: single nucleotide variant.
Coding change: c.1227-2A>G on transcript NM_000256.3 (MANE Select); the canonical splice acceptor site of the intron before coding-DNA position 1227, A replaced by G.
Molecular consequence: splice acceptor variant.
Genome position (GRCh38, 1-based): chr11:47,343,147, T>C on the plus strand (A>G on the coding strand, the complement: MYBPC3 is on the minus strand). VCF-style: chr11-47343147-T-C. GRCh37 (hg19) VCF-style: chr11-47364698-T-C.
Identifiers: ClinVar variation 180925 (VCV000180925.19), dbSNP rs730880531, ClinGen allele CA009954.